The following is an entry in ClinVar:

NM_001366110.1(PAX4):c.677G>A (p.Arg226His)

Gene: PAX4 (paired box 4; minus strand). Cytogenetic location: 7q32.1.
Variant type: single nucleotide variant.
Coding change: c.677G>A on transcript NM_001366110.1 (MANE Select); coding-DNA position 677, G replaced by A.
Protein change: p.Arg226His; replaces arginine 226 with histidine.
Molecular consequence: missense variant.
Genome position (GRCh38, 1-based): chr7:127,613,060, C>T on the plus strand (G>A on the coding strand, the complement: PAX4 is on the minus strand). VCF-style: chr7-127613060-C-T. GRCh37 (hg19) VCF-style: chr7-127253114-C-T.
Other names: NM_006193.2:c.653G>A; c.677G>A, p.Arg226His (NM_001366111.1); short protein forms R226H.
Identifiers: ClinVar variation 2236365 (VCV002236365.4), dbSNP rs375472849, ClinGen allele CA4467984.

ClinVar aggregate classification (germline): Uncertain significance. Review status: criteria provided, multiple submitters, no conflicts (2 of 4 stars). 2 submissions from 2 submitters: Uncertain significance (2). Last evaluated 2025-02-04.

Conditions:
Diabetes mellitus, ketosis-prone (KPD). Identifiers: MedGen C3837958, MONDO:0100180, OMIM 612227.
Maturity-onset diabetes of the young type 9 (MODY9). Identifiers: Orphanet 552, MedGen C2677132, MONDO:0012818, OMIM 612225.
Type 2 diabetes mellitus. Also called: Type II diabetes mellitus. Identifiers: MedGen C0011860, MeSH D003924, MONDO:0005148, OMIM 125853, HP:0005978.

Allele frequency attached by ClinVar (database versions not stated): ESP Exome Variant Server 0.00008.
gnomAD v4.1: 65 of 1,613,348 alleles (0.004%); highest among the groups gnomAD compares: East Asian, 0.016%; no homozygotes.

Submissions (2):

Ambry Genetics
Classification: Uncertain significance. Last evaluated: 2025-02-04. Review status: criteria provided, single submitter. Criteria: Ambry Variant Classification Scheme 2023. Collection method: clinical testing. Allele origin: germline.

New York Genome Center
Classification: Uncertain significance for Type 2 diabetes mellitus; Maturity-onset diabetes of the young type 9; Diabetes mellitus, ketosis-prone. Last evaluated: 2022-12-16. Review status: criteria provided, single submitter. Criteria: NYGC Assertion Criteria 2020. Collection method: clinical testing. Allele origin: germline. Observed: 1 heterozygote.
Comment: The c.677G>A (p. Arg226His) variant in PAX4 has not previously been reported in the literature or public variant repositories (ClinVar and LOVD). The c.677G>A variant is observed in 34 alleles (~0.0001% minor allele frequency with 0 homozygotes) in population databases (gnomAD v2.1.1 and v3.1.2, TOPMed Freeze 8, All ofUs), suggesting it is not a common benign variant in the populations represented in those databases. The c.677G>A variant in PAX4 is located in exon 9 of this12-exon gene and is predicted to replace an evolutionarily conserved arginine amino acid with histidine at position 226 in the homeobox domain of the encodedprotein. In silico predictions are in favor of damaging effect for p.(Arg226His) [(CADD v1.6 = 24.7, REVEL = 0.885)]; however, there are no functional studies to support or refute these predictions. Based on available evidence, this c.677G>A p.(Arg226His) variant identified in PAX4 is classified as a Variant ofUncertain Significance.